The following is an entry in ClinVar:

ClinVar aggregate classification (germline): Conflicting classifications of pathogenicity. Review status: criteria provided, conflicting classifications (1 of 4 stars). 5 submissions from 3 submitters: Uncertain significance (4); Likely benign (1). Last evaluated 2026-01-05.

Conditions:
Corticosterone methyloxidase type 2 deficiency. Also called: 18-OXIDASE DEFICIENCY; ALDOSTERONE DEFICIENCY DUE TO DEFICIENCY OF STEROID 18-OXIDASE; ALDOSTERONE DEFICIENCY II; CMO II DEFICIENCY; STEROID 18-OXIDASE DEFICIENCY. Identifiers: Orphanet 427, MedGen C3463917, MONDO:0012524, OMIM 610600. Disease mechanism: loss of function.
Corticosterone 18-monooxygenase deficiency. Also called: ALDOSTERONE DEFICIENCY DUE TO DEFECT IN STEROID 18-HYDROXYLASE; ALDOSTERONE DEFICIENCY I; CMO I DEFICIENCY; STEROID 18-HYDROXYLASE DEFICIENCY; 18 Hydroxylase deficiency; Aldosterone deficiency due to defect in 18 hydroxylase. Identifiers: Orphanet 427, MedGen C0268293, MONDO:0008751, OMIM 203400. Disease mechanism: loss of function.
Glucocorticoid-remediable aldosteronism. Also called: Hyperaldosteronism, familial, type I; ACTH-DEPENDENT HYPERALDOSTERONISM SYNDROME; ALDOSTERONISM, SENSITIVE TO DEXAMETHASONE; FH I; GLUCOCORTICOID-SUPPRESSIBLE HYPERALDOSTERONISM. Identifiers: Orphanet 403, MedGen C3838731, MONDO:0007080, OMIM 103900.

Allele frequency attached by ClinVar (database versions not stated): gnomAD 0.00002 and 0.00003; TOPMed 0.00002; gnomAD exomes 0.00003 and 0.00005; ExAC 0.00004; 1000 Genomes Project 30x 0.00016; 1000 Genomes Project 0.00020.
gnomAD v4.1: 53 of 1,613,956 alleles (0.0033%); highest among the groups gnomAD compares: Middle Eastern, 0.016%; no homozygotes.

Submissions (5):

Labcorp Genetics (formerly Invitae), Labcorp
Classification: Uncertain significance. Last evaluated: 2026-01-05. Review status: criteria provided, single submitter. Criteria: Invitae Variant Classification Sherloc (09022015). Collection method: clinical testing. Allele origin: germline.
Comment: This sequence change replaces arginine, which is basic and polar, with cysteine, which is neutral and slightly polar, at codon 341 of the CYP11B2 protein (p.Arg341Cys). This variant is present in population databases (rs562670189, gnomAD 0.01%). This variant has not been reported in the literature in individuals affected with CYP11B2-related conditions. ClinVar contains an entry for this variant (Variation ID: 362200). Invitae Evidence Modeling of protein sequence and biophysical properties (such as structural, functional, and spatial information, amino acid conservation, physicochemical variation, residue mobility, and thermodynamic stability) has been performed for this missense variant. However, the output from this modeling did not meet the statistical confidence thresholds required to predict the impact of this variant on CYP11B2 protein function. In summary, the available evidence is currently insufficient to determine the role of this variant in disease. Therefore, it has been classified as a Variant of Uncertain Significance.

Fulgent Genetics
Classification: Uncertain significance for Corticosterone 18-monooxygenase deficiency; Corticosterone methyloxidase type 2 deficiency. Last evaluated: 2024-01-25. Review status: criteria provided, single submitter. Criteria: ACMG Guidelines, 2015. Collection method: clinical testing. Allele origin: germline.

Illumina Laboratory Services, Illumina
Classification: Uncertain significance for Corticosterone methyloxidase type 2 deficiency. Last evaluated: 2018-01-12. Review status: criteria provided, single submitter. Criteria: ICSL Variant Classification Criteria 13 December 2019. Collection method: clinical testing. Allele origin: germline.

Illumina Laboratory Services, Illumina
Classification: Likely benign for Hyperaldosteronism, familial, type I. Last evaluated: 2018-01-12. Review status: criteria provided, single submitter. Criteria: ICSL Variant Classification Criteria 13 December 2019. Collection method: clinical testing. Allele origin: germline.
Comment: This variant was observed in the ICSL laboratory as part of a predisposition screen in an ostensibly healthy population. It had not been previously curated by ICSL or reported in the Human Gene Mutation Database (HGMD: prior to June 1st, 2018), and was therefore a candidate for classification through an automated scoring system. Utilizing variant allele frequency, disease prevalence and penetrance estimates, and inheritance mode, an automated score was calculated to assess if this variant is too frequent to cause the disease. Based on the score and internal cut-off values, a variant classified as likely benign is not then subjected to further curation. The score for this variant resulted in a classification of likely benign for this disease.

Illumina Laboratory Services, Illumina
Classification: Uncertain significance for Corticosterone 18-monooxygenase deficiency. Last evaluated: 2018-01-12. Review status: criteria provided, single submitter. Criteria: ICSL Variant Classification Criteria 13 December 2019. Collection method: clinical testing. Allele origin: germline.

NM_000498.3(CYP11B2):c.1021C>T (p.Arg341Cys)

Genes: CYP11B2 (cytochrome P450 family 11 subfamily B member 2; minus strand), LOC106799834 (CYP11B2 recombination region; plus strand). Cytogenetic location: 8q24.3.
Variant type: single nucleotide variant.
Coding change: c.1021C>T on transcript NM_000498.3 (MANE Select); coding-DNA position 1021, C replaced by T.
Protein change: p.Arg341Cys; replaces arginine 341 with cysteine.
Molecular consequence: missense variant.
Genome position (GRCh38, 1-based): chr8:142,913,385, G>A on the plus strand (C>T on the coding strand, the complement: CYP11B2 is on the minus strand). VCF-style: chr8-142913385-G-A. GRCh37 (hg19) VCF-style: chr8-143994801-G-A.
Other names: short protein forms R341C.
Identifiers: ClinVar variation 362200 (VCV000362200.8), dbSNP rs562670189, ClinGen allele CA4905966.
Genomic context (GRCh38, chr8:142,913,385, plus strand): 5'-CGGTGGTTGCCTTCTGGGGATGTTCACTGATGCTGGCTGCGGCGGCCAGGCTCTCCTGGC[G>A]CAGGATCTGCTGCACGTCGGGGTTCCGAGCCAGCTCAAAGAGCGTCATCAGCAAGGGAAA-3'
Protein context (NP_000489.3, residues 331-351): ARNPDVQQIL[Arg341Cys]QESLAAAASI